The following is an entry in ClinVar:

ClinVar aggregate classification (germline): Likely benign. Review status: criteria provided, multiple submitters, no conflicts (2 of 4 stars). 7 submissions from 7 submitters: Likely benign (5). 2 of the submissions do not count toward it. Last evaluated 2026-02-04.

Conditions:
CACNA1D-related disorder.

Allele frequency attached by ClinVar (database versions not stated): gnomAD 0.00013 and 0.00014; 1000 Genomes Project 30x 0.00016; 1000 Genomes Project 0.00020; ExAC 0.00024; TOPMed 0.00024; gnomAD exomes 0.00025 and 0.00032.
gnomAD v4.1: 479 of 1,614,174 alleles (0.03%); highest among the groups gnomAD compares: Admixed American, 0.047%; no homozygotes.

Submissions (7):

PreventionGenetics, part of Exact Sciences
Classification: Likely benign for CACNA1D-related condition. Last evaluated: 2026-02-04. Review status: criteria provided, single submitter. Criteria: ACMG Guidelines, 2015. Collection method: clinical testing. Allele origin: germline.
Comment: This variant is classified as likely benign based on ACMG/AMP sequence variant interpretation guidelines (Richards et al. 2015 PMID: 25741868, with internal and published modifications).

Labcorp Genetics (formerly Invitae), Labcorp
Classification: Likely benign. Last evaluated: 2026-01-11. Review status: criteria provided, single submitter. Criteria: Invitae Variant Classification Sherloc (09022015). Collection method: clinical testing. Allele origin: germline.

Blueprint Genetics
Classification: Likely benign. Last evaluated: 2024-07-22. Review status: criteria provided, single submitter. Criteria: ACMG Guidelines, 2015. Collection method: clinical testing. Allele origin: germline.

ARUP Laboratories, Molecular Genetics and Genomics, ARUP Laboratories
Classification: Likely benign. Last evaluated: 2024-05-09. Review status: criteria provided, single submitter. Criteria: ARUP Molecular Germline Variant Investigation Process 2024. Collection method: clinical testing. Allele origin: germline.

GeneDx
Classification: Likely benign. Last evaluated: 2020-02-26. Review status: criteria provided, single submitter. Criteria: GeneDx Variant Classification Process June 2021. Collection method: clinical testing. Allele origin: germline. Affected: yes.

Clinical Genetics DNA and cytogenetics Diagnostics Lab, Erasmus MC, Erasmus Medical Center
Classification: Likely benign. Review status: no assertion criteria provided. Collection method: clinical testing. Allele origin: germline. Affected: yes. Study: VKGL Data-share Consensus. Not counted in ClinVar's aggregate classification.

Clinical Genetics, Academic Medical Center
Classification: Benign. Review status: no assertion criteria provided. Collection method: clinical testing. Allele origin: germline. Affected: yes. Study: VKGL Data-share Consensus. Not counted in ClinVar's aggregate classification.

NM_001128840.3(CACNA1D):c.1590C>T (p.Ile530=)

Gene: CACNA1D (calcium voltage-gated channel subunit alpha1 D; plus strand). Cytogenetic location: 3p21.1.
Variant type: single nucleotide variant.
Coding change: c.1590C>T on transcript NM_001128840.3 (MANE Select); coding-DNA position 1590, C replaced by T.
Protein change: p.Ile530=; no amino-acid change (isoleucine 530 retained).
Molecular consequence: synonymous variant.
Genome position (GRCh38, 1-based): chr3:53,722,398, C>T. VCF-style: chr3-53722398-C-T. GRCh37 (hg19) VCF-style: chr3-53756425-C-T.
Other names: c.1650C>T, p.Ile550= (NM_000720.4); c.1590C>T, p.Ile530= (NM_001128839.3); c.1650C>T (NM_000720.3).
Identifiers: ClinVar variation 1223227 (VCV001223227.16), dbSNP rs200605154, ClinGen allele CA2454039.